The following is an entry in ClinVar:

ClinVar aggregate classification (germline): Conflicting classifications of pathogenicity. Review status: criteria provided, conflicting classifications (1 of 4 stars). 5 submissions from 5 submitters: Likely pathogenic (1); Uncertain significance (2). 2 of the submissions do not count toward it. Last evaluated 2022-01-13.

Conditions:
Jawad syndrome (JWDS). Also called: KELLY SYNDROME; MICROCEPHALY WITH IMPAIRED INTELLECTUAL DEVELOPMENT AND DIGITAL ANOMALIES. Identifiers: Orphanet 313795, MedGen C0796063, MONDO:0009622, OMIM 251255.
Seckel syndrome 2 (SCKL2). Also called: MICROCEPHALIC PRIMORDIAL DWARFISM 2; SECKEL-TYPE DWARFISM 2. Identifiers: Orphanet 808, MedGen C1847572, MONDO:0011715, OMIM 606744.

Allele frequency attached by ClinVar (database versions not stated): gnomAD 0.00007 and 0.00008; TOPMed 0.00008; ESP Exome Variant Server 0.00008; ExAC 0.00005.
gnomAD v4.1: 85 of 1,613,214 alleles (0.0053%); highest among the groups gnomAD compares: Middle Eastern, 0.4%; no homozygotes.

Submissions (5):

Fulgent Genetics
Classification: Uncertain significance for Jawad syndrome; Seckel syndrome 2. Last evaluated: 2022-01-13. Review status: criteria provided, single submitter. Criteria: ACMG Guidelines, 2015. Collection method: clinical testing. Allele origin: unknown.

Victorian Clinical Genetics Services, Murdoch Childrens Research Institute
Classification: Likely pathogenic for Jawad syndrome. Last evaluated: 2020-05-21. Review status: criteria provided, single submitter. Criteria: ACMG Guidelines, 2015. Collection method: clinical testing. Allele origin: germline. Inheritance: Autosomal recessive inheritance. Affected: yes.
Comment: Based on the classification scheme VCGS_Germline_v1.1.1, this variant is classified as likely pathogenic. Following criteria are met: 0102 - Loss-of-function is a known mechanism of disease for this gene. (N) 0106 - This gene is known to be associated with autosomal recessive disease. (N) 0200 - Variant is predicted to result in a missense amino acid change from arginine to tryptophan (exon 5). (N) 0251 - Variant is heterozygous. (N) 0304 - Variant is present in gnomAD <0.01 for a recessive condition (10 heterozygous, 0 homozygous). (P) 0309 - Alternative amino acid changes at the same position has been observed in gnomAD (13 heterozygotes, 0 homozygotes). (N) 0502 - Missense variant with conflicting in silico predictions and/or uninformative conservation. (N) 0600 - Variant is located in an annotated domain or motif, (CtlP N-terminal domain; PDB, NCBI). (N) 0705 - No comparable variants have previous evidence for pathogenicity. (N) 0803 - Low previous evidence of pathogenicity in two unrelated homozygous individuals with Seckle syndrome and a developmental syndrome (PMID: 24389050, PMID: 27848944). (P) 0905 - No segregation evidence has been identified for this variant. (N) 1007 - No published functional evidence has been identified for this variant. (N) 1208 - Inheritance information for this variant is not currently available. (N) Legend: (P) - Pathogenic, (N) - Neutral, (B) - Benign

Genetic Services Laboratory, University of Chicago
Classification: Uncertain significance. Last evaluated: 2019-04-16. Review status: criteria provided, single submitter. Criteria: ACMG Guidelines, 2015. Collection method: clinical testing. Allele origin: germline. Affected: no.

OMIM
Classification: Pathogenic for SECKEL SYNDROME 2. Last evaluated: 2014-02-01. Review status: no assertion criteria provided. Collection method: literature only. Allele origin: germline. Not counted in ClinVar's aggregate classification.

Genomic Medicine Center of Excellence, King Faisal Specialist Hospital and Research Centre
Classification: Pathogenic for Seckel syndrome 2. Review status: no assertion criteria provided. Collection method: research. Allele origin: germline. Affected: yes. Study: Genomic Analysis of Primordial Dwarfism Reveals Novel Disease Genes. Not counted in ClinVar's aggregate classification.

Literature cited by the submitters: PubMed 24389050 (cited by Victorian Clinical Genetics Services, Murdoch Childrens Research Institute and OMIM); PubMed 27848944 (cited by Victorian Clinical Genetics Services, Murdoch Childrens Research Institute).

NM_002894.3(RBBP8):c.298C>T (p.Arg100Trp)

Gene: RBBP8 (RB binding protein 8, endonuclease; plus strand). Cytogenetic location: 18q11.2.
Variant type: single nucleotide variant.
Coding change: c.298C>T on transcript NM_002894.3 (MANE Select); coding-DNA position 298, C replaced by T.
Protein change: p.Arg100Trp; replaces arginine 100 with tryptophan.
Molecular consequence: missense variant.
Genome position (GRCh38, 1-based): chr18:22,968,855, C>T. VCF-style: chr18-22968855-C-T. GRCh37 (hg19) VCF-style: chr18-20548818-C-T.
Other names: c.298C>T, p.Arg100Trp (NM_203291.2, NM_203292.2); short protein forms R100W.
Identifiers: ClinVar variation 127245 (VCV000127245.9), dbSNP rs373804633, ClinGen allele CA151432.
Genomic context (GRCh38, chr18:22,968,855, plus strand): 5'-TTGTTTCATAGGTTAAGAGCAGGCTTATGTGATCGCTGTGCAGTAACTGAAGAACATATG[C>T]GGAAAAAACAGCAAGAGTTTGAAAATATCCGGCAGCAGAATCTTAAACTTATTACAGAAC-3'
Protein context (NP_002885.1, residues 90-110): DRCAVTEEHM[Arg100Trp]KKQQEFENIR